The following is an entry in ClinVar:

ClinVar aggregate classification (germline): Benign/Likely benign. Review status: criteria provided, multiple submitters, no conflicts (2 of 4 stars). 2 submissions from 2 submitters: Benign (1); Likely benign (1). Last evaluated 2026-04-28.

Conditions:
AGTPBP1-related disorder. Also called: AGTPBP1-related condition.

Submissions (2):

PreventionGenetics, part of Exact Sciences
Classification: Benign for AGTPBP1-related condition. Last evaluated: 2026-04-28. Review status: criteria provided, single submitter. Criteria: ACMG Guidelines, 2015. Collection method: clinical testing. Allele origin: germline.
Comment: This variant is classified as benign based on ACMG/AMP sequence variant interpretation guidelines (Richards et al. 2015 PMID: 25741868, with internal and published modifications).

CeGaT Center for Human Genetics Tuebingen
Classification: Likely benign. Last evaluated: 2026-04-01. Review status: criteria provided, single submitter. Criteria: CeGaT Center For Human Genetics Tuebingen Variant Classification Criteria Version 2. Collection method: clinical testing. Allele origin: germline. Affected: yes. Observed: 1 variant allele.
Comment: AGTPBP1: BS2

NM_001330701.2(AGTPBP1):c.-200_-186dup

Genes: AGTPBP1 (ATP/GTP binding carboxypeptidase 1; minus strand), LOC130001960 (ATAC-STARR-seq lymphoblastoid silent region 19988; plus strand). Cytogenetic location: 9q21.33.
Variant type: Duplication.
Coding change: c.-200_-186dup on transcript NM_001330701.2 (MANE Select); 200 bases upstream of the start codon through 186 bases upstream of the start codon, 15 bases duplicated (TCCAGCGCCGCCGCC).
Molecular consequence: 5 prime UTR variant. On other transcripts: inframe insertion (2).
Genome position (GRCh38, 1-based): chr9:85,741,927-85,741,941, GGCGGCGGCGCTGGA duplicated on the plus strand (TCCAGCGCCGCCGCC on the coding strand, the reverse complement: AGTPBP1 is on the minus strand); duplicating any 15 consecutive bases within chr9:85,741,927-85,741,949 gives the same sequence; the c. name uses the placement nearest the transcript's 3' end. VCF-style (leftmost placement, unchanged base first): chr9-85741926-C-CGGCGGCGGCGCTGGA. GRCh37 (hg19) VCF-style: chr9-88356841-C-CGGCGGCGGCGCTGGA.
Other names: c.22_36dup15 (NM_001286715.1); c.22_36dup, p.Ala12_Ala13insSerSerAlaAlaAla (NM_001286715.1, NM_001286717.1); c.-200_-186dup (NM_015239.3).
Identifiers: ClinVar variation 4872923 (VCV004872923.3).
Genomic context (GRCh38, chr9:85,741,926, plus strand): 5'-CCGGTGTTTTCATACAAACCCCGGTGGCAGGCGAGGCGGAGGCGGCGGCGGCGGCAGCTG[C>CGGCGGCGGCGCTGGA]GGCGGCGGCGCTGGAGGCGGCGGAACCTGTCCGCATCCCGGGCAACGTCAGCGCGGCGCC-3'